The following is an entry in ClinVar:

NM_004281.4(BAG3):c.416G>A (p.Arg139Gln)

Gene: BAG3 (BAG cochaperone 3; plus strand). Cytogenetic location: 10q26.11.
Variant type: single nucleotide variant.
Coding change: c.416G>A on transcript NM_004281.4 (MANE Select); coding-DNA position 416, G replaced by A.
Protein change: p.Arg139Gln; replaces arginine 139 with glutamine.
Molecular consequence: missense variant.
Genome position (GRCh38, 1-based): chr10:119,670,086, G>A. VCF-style: chr10-119670086-G-A. GRCh37 (hg19) VCF-style: chr10-121429598-G-A.
Other names: short protein forms R139Q.
Identifiers: ClinVar variation 1432954 (VCV001432954.8), dbSNP rs769913236, ClinGen allele CA5716315.

ClinVar aggregate classification (germline): Uncertain significance. Review status: criteria provided, multiple submitters, no conflicts (2 of 4 stars). 3 submissions from 3 submitters: Uncertain significance (3). Last evaluated 2025-09-25.

Conditions:
Myofibrillar myopathy 6. Identifiers: Orphanet 199340, MedGen C2751831, MONDO:0013061, OMIM 612954.
Dilated cardiomyopathy 1HH (CMD1HH). Identifiers: Orphanet 154, MedGen C3151293, MONDO:0013479, OMIM 613881.

Allele frequency attached by ClinVar (database versions not stated): TOPMed below 0.00001; gnomAD exomes 0.00001 and 0.00002; ExAC 0.00002.
gnomAD v4.1: 26 of 1,613,670 alleles (0.0016%); highest among the groups gnomAD compares: East Asian, 0.0022%; no homozygotes.

Submissions (3):

Labcorp Genetics (formerly Invitae), Labcorp
Classification: Uncertain significance for Dilated cardiomyopathy 1HH; Myofibrillar myopathy 6. Last evaluated: 2025-09-25. Review status: criteria provided, single submitter. Criteria: Invitae Variant Classification Sherloc (09022015). Collection method: clinical testing. Allele origin: germline.
Comment: This sequence change replaces arginine, which is basic and polar, with glutamine, which is neutral and polar, at codon 139 of the BAG3 protein (p.Arg139Gln). This variant is present in population databases (rs769913236, gnomAD 0.006%). This missense change has been observed in individual(s) with cardiomyopathy (PMID: 30847666). ClinVar contains an entry for this variant (Variation ID: 1432954). Invitae Evidence Modeling of protein sequence and biophysical properties (such as structural, functional, and spatial information, amino acid conservation, physicochemical variation, residue mobility, and thermodynamic stability) indicates that this missense variant is not expected to disrupt BAG3 protein function with a negative predictive value of 80%. In summary, the available evidence is currently insufficient to determine the role of this variant in disease. Therefore, it has been classified as a Variant of Uncertain Significance.

Blueprint Genetics
Classification: Uncertain significance. Last evaluated: 2023-08-24. Review status: criteria provided, single submitter. Criteria: ACMG Guidelines, 2015. Collection method: clinical testing. Allele origin: germline.

Fulgent Genetics
Classification: Uncertain significance for Myofibrillar myopathy 6; Dilated cardiomyopathy 1HH. Last evaluated: 2021-08-23. Review status: criteria provided, single submitter. Criteria: ACMG Guidelines, 2015. Collection method: clinical testing. Allele origin: unknown.

Literature cited by the submitters: PubMed 30847666 (cited by Labcorp Genetics (formerly Invitae), Labcorp).